The following is an entry in ClinVar:

ClinVar aggregate classification (germline): Uncertain significance (1 of 4 stars; one submission).

gnomAD v4.1: 1 of 1,614,042 alleles (0.000062%); highest among the groups gnomAD compares: Non-Finnish European, 0.000085%; no homozygotes.

Submission:

Ambry Genetics
Classification: Uncertain significance. Last evaluated: 2025-02-01. Review status: criteria provided, single submitter. Criteria: Ambry Variant Classification Scheme 2023. Collection method: clinical testing. Allele origin: germline.
Comment: The p.C323Y variant (also known as c.968G>A), located in coding exon 10 of the SRP72 gene, results from a G to A substitution at nucleotide position 968. The cysteine at codon 323 is replaced by tyrosine, an amino acid with highly dissimilar properties. This amino acid position is conserved. In addition, this alteration is predicted to be deleterious by in silico analysis. Based on the available evidence, the clinical significance of this variant remains unclear.

NM_006947.4(SRP72):c.968G>A (p.Cys323Tyr)

Gene: SRP72 (signal recognition particle 72; plus strand). Cytogenetic location: 4q12.
Variant type: single nucleotide variant.
Coding change: c.968G>A on transcript NM_006947.4 (MANE Select); coding-DNA position 968, G replaced by A.
Protein change: p.Cys323Tyr; replaces cysteine 323 with tyrosine.
Molecular consequence: missense variant. On other transcripts: non-coding transcript variant (1).
Genome position (GRCh38, 1-based): chr4:56,484,746, G>A. VCF-style: chr4-56484746-G-A. GRCh37 (hg19) VCF-style: chr4-57350912-G-A.
Other names: c.785G>A, p.Cys262Tyr (NM_001267722.2); short protein forms C323Y, C262Y.
Identifiers: ClinVar variation 3801471 (VCV003801471.1).